The following is an entry in ClinVar:

ClinVar aggregate classification (germline): Benign. Review status: criteria provided, multiple submitters, no conflicts (2 of 4 stars). 5 submissions from 5 submitters: Benign (5). Last evaluated 2026-02-03.

Conditions:
Bardet-Biedl syndrome (BBS). Identifiers: Orphanet 110, MedGen C0752166, MONDO:0015229.
Bardet-Biedl syndrome 15 (BBS15). Identifiers: Orphanet 110, MedGen C3150127, MONDO:0014443, OMIM 615992.

Allele frequency attached by ClinVar (database versions not stated): 1000 Genomes Project 30x 0.01655; 1000 Genomes Project 0.01717; TOPMed 0.03521; gnomAD 0.04330 and 0.04486; ESP Exome Variant Server 0.04463; gnomAD exomes 0.04611 and 0.05696; ExAC 0.04752.
gnomAD v4.1: 89,037 of 1,612,906 alleles (5.5%); highest among the groups gnomAD compares: Non-Finnish European, 6.3%; 3,030 homozygotes.

Submissions (5):

Labcorp Genetics (formerly Invitae), Labcorp
Classification: Benign for Bardet-Biedl syndrome. Last evaluated: 2026-02-03. Review status: criteria provided, single submitter. Criteria: Invitae Variant Classification Sherloc (09022015). Collection method: clinical testing. Allele origin: germline.

Blueprint Genetics
Classification: Benign. Last evaluated: 2024-11-26. Review status: criteria provided, single submitter. Criteria: ACMG Guidelines, 2015. Collection method: clinical testing. Allele origin: germline.

Illumina Laboratory Services, Illumina
Classification: Benign for Bardet-Biedl syndrome 15. Last evaluated: 2018-01-12. Review status: criteria provided, single submitter. Criteria: ICSL Variant Classification Criteria 13 December 2019. Collection method: clinical testing. Allele origin: germline.
Comment: This variant was observed in the ICSL laboratory as part of a predisposition screen in an ostensibly healthy population. It had not been previously curated by ICSL or reported in the Human Gene Mutation Database (HGMD: prior to June 1st, 2018), and was therefore a candidate for classification through an automated scoring system. Utilizing variant allele frequency, disease prevalence and penetrance estimates, and inheritance mode, an automated score was calculated to assess if this variant is too frequent to cause the disease. Based on the score and internal cut-off values, a variant classified as benign is not then subjected to further curation. The score for this variant resulted in a classification of benign for this disease.

Breakthrough Genomics
Classification: Benign. Review status: criteria provided, single submitter. Criteria: ACMG Guidelines, 2015. Collection method: not provided. Allele origin: germline. Inheritance: Autosomal recessive inheritance. Affected: yes.

PreventionGenetics, part of Exact Sciences
Classification: Benign. Review status: criteria provided, single submitter. Criteria: ACMG Guidelines, 2015. Collection method: clinical testing. Allele origin: germline.

NM_015910.7(WDPCP):c.802G>A (p.Gly268Ser)

Gene: WDPCP (WD repeat containing planar cell polarity effector; minus strand). Cytogenetic location: 2p15.
Variant type: single nucleotide variant.
Coding change: c.802G>A on transcript NM_015910.7 (MANE Select); coding-DNA position 802, G replaced by A.
Protein change: p.Gly268Ser; replaces glycine 268 with serine.
Molecular consequence: missense variant. On other transcripts: non-coding transcript variant (3).
Genome position (GRCh38, 1-based): chr2:63,433,768, C>T on the plus strand (G>A on the coding strand, the complement: WDPCP is on the minus strand). VCF-style: chr2-63433768-C-T. GRCh37 (hg19) VCF-style: chr2-63660902-C-T.
Other names: c.325G>A, p.Gly109Ser (NM_001042692.3); c.730G>A, p.Gly244Ser (NM_001354044.2); c.802G>A, p.Gly268Ser (NM_001354045.2); short protein forms G268S, G109S, G244S.
Identifiers: ClinVar variation 260683 (VCV000260683.18), dbSNP rs17617459, ClinGen allele CA1682347.